The following is an entry in ClinVar:

NM_052947.4(ALPK2):c.15A>C (p.Glu5Asp)

Gene: ALPK2 (alpha kinase 2; minus strand). Cytogenetic location: 18q21.32.
Variant type: single nucleotide variant.
Coding change: c.15A>C on transcript NM_052947.4 (MANE Select); coding-DNA position 15, A replaced by C.
Protein change: p.Glu5Asp; replaces glutamic acid 5 with aspartic acid.
Molecular consequence: missense variant.
Genome position (GRCh38, 1-based): chr18:58,611,783, T>G on the plus strand (A>C on the coding strand, the complement: ALPK2 is on the minus strand). VCF-style: chr18-58611783-T-G. GRCh37 (hg19) VCF-style: chr18-56279015-T-G.
Other names: short protein forms E5D.
Identifiers: ClinVar variation 1776121 (VCV001776121.2), dbSNP rs2144232532, ClinGen allele CA402558207.
Genomic context (GRCh38, chr18:58,611,783, plus strand): 5'-CTCAGGAACCTTCTGGGAAAGCAATGTAGATAAAAAACACAGCGGGGGCCTCTGGGGCCC[T>G]TCGGAGTCTTTCATCCTTTCATGCCGCACCAAATCTGAAAAAAAAAAAAATCCCCGACAT-3'
Protein context (NP_443179.3, residues 1-15): MKDS[Glu5Asp]GPQRPPLCFL

ClinVar aggregate classification (germline): Uncertain significance (1 of 4 stars; one submission).

Submission:

Ambry Genetics
Classification: Uncertain significance. Last evaluated: 2022-01-02. Review status: criteria provided, single submitter. Criteria: Ambry Variant Classification Scheme 2023. Collection method: clinical testing. Allele origin: germline.
Comment: The p.E5D variant (also known as c.15A>C), located in coding exon 1 of the ALPK2 gene, results from an A to C substitution at nucleotide position 15. The glutamic acid at codon 5 is replaced by aspartic acid, an amino acid with highly similar properties. This amino acid position is conserved. In addition, this alteration is predicted to be tolerated by in silico analysis. Since supporting evidence is limited at this time, the clinical significance of this alteration remains unclear.